The following is an entry in ClinVar:

ClinVar aggregate classification (germline): Uncertain significance (1 of 4 stars; one submission).

Conditions:
Moyamoya disease 2 (MYMY2). Also called: MOYAMOYA DISEASE 2, SUSCEPTIBILITY TO. Identifiers: Orphanet 2573, MedGen C1846689, MONDO:0011784, OMIM 607151.

Submission:

Juno Genomics, Hangzhou Juno Genomics, Inc
Classification: Uncertain significance for Moyamoya disease 2. Review status: criteria provided, single submitter. Criteria: ACMG Guidelines, 2015. Collection method: clinical testing. Allele origin: germline.
Comment: Absent from controls (or at extremely low frequency if recessive) in Genome Aggregation Database.;Missense variant in a gene that has a low rate of benign missense variation.;Multiple lines of computational evidence suggest no impact on gene or gene product.

NM_001256071.3(RNF213):c.14077G>A (p.Asp4693Asn)

Genes: RNF213-AS1 (RNF213 antisense RNA 1; minus strand), RNF213 (ring finger protein 213; plus strand). Cytogenetic location: 17q25.3.
Variant type: single nucleotide variant.
Coding change: c.14077G>A on transcript NM_001256071.3 (MANE Select); coding-DNA position 14077, G replaced by A.
Protein change: p.Asp4693Asn; replaces aspartic acid 4693 with asparagine.
Molecular consequence: missense variant.
Genome position (GRCh38, 1-based): chr17:80,383,683, G>A. VCF-style: chr17-80383683-G-A. GRCh37 (hg19) VCF-style: chr17-78357483-G-A.
Other names: c.14224G>A, p.Asp4742Asn (NM_001410195.1, NM_020914.5); short protein forms D4693N, D4742N.
Identifiers: ClinVar variation 5019426 (VCV005019426.2).